The following is an entry in ClinVar:

ClinVar aggregate classification (germline): Uncertain significance (1 of 4 stars; one submission).

gnomAD v4.1: 1 of 1,611,276 alleles (0.000062%); highest among the groups gnomAD compares: Non-Finnish European, 0.000085%; no homozygotes.

Submission:

GeneDx
Classification: Uncertain significance. Last evaluated: 2024-03-25. Review status: criteria provided, single submitter. Criteria: GeneDx Variant Classification Process June 2021. Collection method: clinical testing. Allele origin: germline. Affected: yes.
Comment: Not observed at significant frequency in large population cohorts (gnomAD); In silico analysis supports that this missense variant does not alter protein structure/function; Has not been previously published as pathogenic or benign to our knowledge

NM_014727.3(KMT2B):c.5752C>T (p.Pro1918Ser)

Gene: KMT2B (lysine methyltransferase 2B; plus strand). Cytogenetic location: 19q13.12.
Variant type: single nucleotide variant.
Coding change: c.5752C>T on transcript NM_014727.3 (MANE Select); coding-DNA position 5752, C replaced by T.
Protein change: p.Pro1918Ser; replaces proline 1918 with serine.
Molecular consequence: missense variant.
Genome position (GRCh38, 1-based): chr19:35,732,301, C>T. VCF-style: chr19-35732301-C-T. GRCh37 (hg19) VCF-style: chr19-36223202-C-T.
Other names: short protein forms P1918S.
Identifiers: ClinVar variation 3371100 (VCV003371100.1).